The following is an entry in ClinVar:

ClinVar aggregate classification (germline): Uncertain significance (1 of 4 stars; one submission).

Conditions:
Hereditary breast ovarian cancer syndrome. Also called: BRCA1- and BRCA2-Associated Hereditary Breast and Ovarian Cancer; Hereditary breast and ovarian cancer; Hereditary breast and ovarian cancer syndrome; Hereditary breast and/or ovarian cancer syndrome; Hereditary breast and ovarian cancer syndrome (HBOC); Breast and ovarian cancer. Identifiers: Orphanet 145, MedGen C0677776, MeSH D061325, MONDO:0003582. Disease mechanism: loss of function.

Submission:

Labcorp Genetics (formerly Invitae), Labcorp
Classification: Uncertain significance for Hereditary breast ovarian cancer syndrome. Last evaluated: 2025-04-17. Review status: criteria provided, single submitter. Criteria: Invitae Variant Classification Sherloc (09022015). Collection method: clinical testing. Allele origin: germline.
Comment: This sequence change replaces glycine, which is neutral and non-polar, with serine, which is neutral and polar, at codon 2441 of the BRCA2 protein (p.Gly2441Ser). This variant is not present in population databases (gnomAD no frequency). This variant has not been reported in the literature in individuals affected with BRCA2-related conditions. ClinVar contains an entry for this variant (Variation ID: 1372080). Invitae Evidence Modeling of protein sequence and biophysical properties (such as structural, functional, and spatial information, amino acid conservation, physicochemical variation, residue mobility, and thermodynamic stability) indicates that this missense variant is not expected to disrupt BRCA2 protein function with a negative predictive value of 95%. In summary, the available evidence is currently insufficient to determine the role of this variant in disease. Therefore, it has been classified as a Variant of Uncertain Significance.

NM_000059.4(BRCA2):c.7321G>A (p.Gly2441Ser)

Gene: BRCA2 (BRCA2 DNA repair associated; plus strand). Cytogenetic location: 13q13.1.
Variant type: single nucleotide variant.
Coding change: c.7321G>A on transcript NM_000059.4 (MANE Select); coding-DNA position 7321, G replaced by A.
Protein change: p.Gly2441Ser; replaces glycine 2441 with serine.
Molecular consequence: missense variant.
Genome position (GRCh38, 1-based): chr13:32,355,174, G>A. VCF-style: chr13-32355174-G-A. GRCh37 (hg19) VCF-style: chr13-32929311-G-A.
Other names: short protein forms G2441S.
Identifiers: ClinVar variation 1372080 (VCV001372080.6), dbSNP rs2137558004, ClinGen allele CA387741095.